The following is an entry in ClinVar:

NM_002591.4(PCK1):c.1714A>T (p.Ile572Phe)

Gene: PCK1 (phosphoenolpyruvate carboxykinase 1; plus strand). Cytogenetic location: 20q13.31.
Variant type: single nucleotide variant.
Coding change: c.1714A>T on transcript NM_002591.4 (MANE Select); coding-DNA position 1714, A replaced by T.
Protein change: p.Ile572Phe; replaces isoleucine 572 with phenylalanine.
Molecular consequence: missense variant.
Genome position (GRCh38, 1-based): chr20:57,565,649, A>T. VCF-style: chr20-57565649-A-T. GRCh37 (hg19) VCF-style: chr20-56140705-A-T.
Other names: short protein forms I572F.
Identifiers: ClinVar variation 1524881 (VCV001524881.8), dbSNP rs1478309756, ClinGen allele CA409437774.
Genomic context (GRCh38, chr20:57,565,649, plus strand): 5'-CTCACGCCCATAGGCTACATCCCCAAGGAGGATGCCCTGAACCTGAAAGGCCTGGGGCAC[A>T]TCAACATGATGGAGCTTTTCAGCATCTCCAAGGAATTCTGGGAGAAGGAGGTGGAAGACA-3'
Protein context (NP_002582.3, residues 562-582): DALNLKGLGH[Ile572Phe]NMMELFSISK

ClinVar aggregate classification (germline): Uncertain significance (1 of 4 stars; one submission).

Submission:

Labcorp Genetics (formerly Invitae), Labcorp
Classification: Uncertain significance. Last evaluated: 2021-07-24. Review status: criteria provided, single submitter. Criteria: Invitae Variant Classification Sherloc (09022015). Collection method: clinical testing. Allele origin: germline.
Comment: This sequence change replaces isoleucine with phenylalanine at codon 572 of the PCK1 protein (p.Ile572Phe). The isoleucine residue is weakly conserved and there is a small physicochemical difference between isoleucine and phenylalanine. This variant is not present in population databases (ExAC no frequency). In summary, the available evidence is currently insufficient to determine the role of this variant in disease. Therefore, it has been classified as a Variant of Uncertain Significance. Algorithms developed to predict the effect of missense changes on protein structure and function are either unavailable or do not agree on the potential impact of this missense change (SIFT: "Deleterious"; PolyPhen-2: "Possibly Damaging"; Align-GVGD: "Class C0"). This variant has not been reported in the literature in individuals affected with PCK1-related conditions.